The following is an entry in ClinVar:

NM_001035.3(RYR2):c.*1108A>G

Gene: RYR2 (ryanodine receptor 2; plus strand). Cytogenetic location: 1q43.
Variant type: single nucleotide variant.
Coding change: c.*1108A>G on transcript NM_001035.3 (MANE Select); 1108 bases downstream of the stop codon, A replaced by G.
Molecular consequence: 3 prime UTR variant.
Genome position (GRCh38, 1-based): chr1:237,833,755, A>G. VCF-style: chr1-237833755-A-G. GRCh37 (hg19) VCF-style: chr1-237997055-A-G.
Other names: c.*1108A>G (LRG_402t1).
Identifiers: ClinVar variation 296808 (VCV000296808.5), dbSNP rs540171235, ClinGen allele CA10610682.
Genomic context (GRCh38, chr1:237,833,755, plus strand): 5'-TGTGATCAGTTTTGTTGATTAAGGACTTCTTGTCAGGCCATTTTTTAATATCAAAGCTGA[A>G]GCAATATCCATTCAGGGATTTCATCAGTTGCATCACAAAACACGGATGATAATATACATC-3'

ClinVar aggregate classification (germline): Conflicting classifications of pathogenicity. Review status: criteria provided, conflicting classifications (1 of 4 stars). 2 submissions from 1 submitter: Uncertain significance (1); Likely benign (1). Last evaluated 2018-01-13.

Conditions:
Catecholaminergic polymorphic ventricular tachycardia 1. Also called: VENTRICULAR TACHYCARDIA, CATECHOLAMINERGIC POLYMORPHIC, 1, WITH OR WITHOUT ATRIAL DYSFUNCTION AND/OR DILATED CARDIOMYOPATHY; VENTRICULAR TACHYCARDIA, STRESS-INDUCED POLYMORPHIC 1; RYR2-Related Catecholaminergic Polymorphic Ventricular Tachycardia. Identifiers: Orphanet 3286, MedGen C1631597, MONDO:0011484, OMIM 604772.
Arrhythmogenic right ventricular dysplasia 2. Identifiers: MedGen C1832931.

Allele frequency attached by ClinVar (database versions not stated): gnomAD 0.00026 and 0.00033; TOPMed 0.00033; 1000 Genomes Project 30x 0.00078; 1000 Genomes Project 0.00100.

Submissions (2):

Illumina Laboratory Services, Illumina
Classification: Uncertain significance for Catecholaminergic polymorphic ventricular tachycardia 1. Last evaluated: 2018-01-13. Review status: criteria provided, single submitter. Criteria: ICSL Variant Classification Criteria 13 December 2019. Collection method: clinical testing. Allele origin: germline.

Illumina Laboratory Services, Illumina
Classification: Likely benign for Catecholaminergic polymorphic ventricular tachycardia 1. Last evaluated: 2018-01-13. Review status: criteria provided, single submitter. Criteria: ICSL Variant Classification Criteria 13 December 2019. Collection method: clinical testing. Allele origin: germline.
Comment: This variant was observed in the ICSL laboratory as part of a predisposition screen in an ostensibly healthy population. It had not been previously curated by ICSL or reported in the Human Gene Mutation Database (HGMD: prior to June 1st, 2018), and was therefore a candidate for classification through an automated scoring system. Utilizing variant allele frequency, disease prevalence and penetrance estimates, and inheritance mode, an automated score was calculated to assess if this variant is too frequent to cause the disease. Based on the score and internal cut-off values, a variant classified as likely benign is not then subjected to further curation. The score for this variant resulted in a classification of likely benign for this disease.